The following is an entry in ClinVar:

NM_003750.4(EIF3A):c.874C>G (p.His292Asp)

Gene: EIF3A (eukaryotic translation initiation factor 3 subunit A; minus strand). Cytogenetic location: 10q26.11.
Variant type: single nucleotide variant.
Coding change: c.874C>G on transcript NM_003750.4 (MANE Select); coding-DNA position 874, C replaced by G.
Protein change: p.His292Asp; replaces histidine 292 with aspartic acid.
Molecular consequence: missense variant.
Genome position (GRCh38, 1-based): chr10:119,069,522, G>C on the plus strand (C>G on the coding strand, the complement: EIF3A is on the minus strand). VCF-style: chr10-119069522-G-C. GRCh37 (hg19) VCF-style: chr10-120829034-G-C.
Other names: short protein forms H292D.
Identifiers: ClinVar variation 4536284 (VCV004536284.1).

ClinVar aggregate classification (germline): Uncertain significance (1 of 4 stars; one submission).

Submission:

GeneDx
Classification: Uncertain significance. Last evaluated: 2025-06-02. Review status: criteria provided, single submitter. Criteria: GeneDx Variant Classification Process June 2021. Collection method: clinical testing. Allele origin: germline. Affected: yes.
Comment: Not observed at significant frequency in large population cohorts (gnomAD); In silico analysis supports that this missense variant has a deleterious effect on protein structure/function; Has not been previously published as pathogenic or benign to our knowledge; Variants in candidate genes are classified as variants of uncertain significance in accordance with ACMG guidelines (PMID: 25741868)